The following is an entry in ClinVar:

NM_003000.3(SDHB):c.285A>G (p.Glu95=)

Gene: SDHB (succinate dehydrogenase complex iron sulfur subunit B; minus strand). Cytogenetic location: 1p36.13.
Variant type: single nucleotide variant.
Coding change: c.285A>G on transcript NM_003000.3 (MANE Select); coding-DNA position 285, A replaced by G.
Protein change: p.Glu95=; no amino-acid change (glutamic acid 95 retained).
Molecular consequence: synonymous variant.
Genome position (GRCh38, 1-based): chr1:17,033,061, T>C on the plus strand (A>G on the coding strand, the complement: SDHB is on the minus strand). VCF-style: chr1-17033061-T-C. GRCh37 (hg19) VCF-style: chr1-17359556-T-C.
Identifiers: ClinVar variation 821906 (VCV000821906.6), dbSNP rs1570951353, ClinGen allele CA416089160.

ClinVar aggregate classification (germline): Uncertain significance (1 of 4 stars; one submission).

Conditions:
Hereditary cancer-predisposing syndrome. Also called: Tumor predisposition; Hereditary Cancer Syndrome; Neoplastic Syndromes, Hereditary; Hereditary neoplastic syndrome. Identifiers: Orphanet 140162, MedGen C0027672, MeSH D009386, MONDO:0015356.

Submission:

Ambry Genetics
Classification: Uncertain significance for Hereditary cancer-predisposing syndrome. Last evaluated: 2025-05-05. Review status: criteria provided, single submitter. Criteria: Ambry Variant Classification Scheme 2023. Collection method: clinical testing. Allele origin: germline.
Comment: The c.285A>G variant (also known as p.E95E), located in coding exon 3 of the SDHB gene, results from an A to G substitution at nucleotide position 285. This nucleotide substitution does not change the glutamic acid at codon 95. This nucleotide position is well conserved in available vertebrate species. In silico splice site analysis predicts that this alteration may weaken the native splice donor site; however, direct evidence is insufficient at this time (Ambry internal data). Based on the available evidence, the clinical significance of this variant remains unclear.